The following is an entry in ClinVar:

ClinVar aggregate classification (germline): Uncertain significance. Review status: criteria provided, single submitter (1 of 4 stars). 2 submissions from 2 submitters: Uncertain significance (1). 1 of the submissions does not count toward it. Last evaluated 2019-06-28.

Conditions:
Cystic fibrosis (CF). Also called: MUCOVISCIDOSIS. Identifiers: Orphanet 586, MedGen C0010674, MONDO:0009061, OMIM 219700. Disease mechanism: loss of function.
CFTR-related disorder (CFTR-RD). Also called: CFTR-related disorders; CFTR-related condition. Identifiers: MedGen C5924204, MONDO:7770004.

Allele frequency attached by ClinVar (database versions not stated): gnomAD exomes below 0.00001.
gnomAD v4.1: 1 of 1,613,540 alleles (0.000062%); highest among the groups gnomAD compares: Middle Eastern, 0.017%; no homozygotes.

Submissions (2):

Labcorp Genetics (formerly Invitae), Labcorp
Classification: Uncertain significance for Cystic fibrosis. Last evaluated: 2019-06-28. Review status: criteria provided, single submitter. Criteria: Invitae Variant Classification Sherloc (09022015). Collection method: clinical testing. Allele origin: germline.
Comment: This sequence change replaces isoleucine with phenylalanine at codon 1192 of the CFTR protein (p.Ile1192Phe). The isoleucine residue is moderately conserved and there is a small physicochemical difference between isoleucine and phenylalanine. This variant is not present in population databases (ExAC no frequency). This variant has not been reported in the literature in individuals with CFTR-related conditions. Algorithms developed to predict the effect of missense changes on protein structure and function (SIFT, PolyPhen-2, Align-GVGD) all suggest that this variant is likely to be tolerated, but these predictions have not been confirmed by published functional studies and their clinical significance is uncertain. In summary, the available evidence is currently insufficient to determine the role of this variant in disease. Therefore, it has been classified as a Variant of Uncertain Significance.

Natera, Inc.
Classification: Uncertain significance for CFTR-related disorders. Last evaluated: 2021-03-03. Review status: no assertion criteria provided. Collection method: clinical testing. Allele origin: germline. Not counted in ClinVar's aggregate classification.

NM_000492.4(CFTR):c.3574A>T (p.Ile1192Phe)

Genes: CFTR (CF transmembrane conductance regulator; plus strand), CFTR-AS2 (CFTR antisense RNA 2; minus strand). Cytogenetic location: 7q31.2.
Variant type: single nucleotide variant.
Coding change: c.3574A>T on transcript NM_000492.4 (MANE Select); coding-DNA position 3574, A replaced by T.
Protein change: p.Ile1192Phe; replaces isoleucine 1192 with phenylalanine.
Molecular consequence: missense variant.
Genome position (GRCh38, 1-based): chr7:117,627,627, A>T. VCF-style: chr7-117627627-A-T. GRCh37 (hg19) VCF-style: chr7-117267681-A-T.
Other names: short protein forms I1192F.
Identifiers: ClinVar variation 944789 (VCV000944789.2), dbSNP rs1792672546, ClinGen allele CA368996462.
Genomic context (GRCh38, chr7:117,627,627, plus strand): 5'-GAAGGTAAACCTACCAAGTCAACCAAACCATACAAGAATGGCCAACTCTCGAAAGTTATG[A>T]TTATTGAGAATTCACACGTGAAGAAAGATGACATCTGGCCCTCAGGGGGCCAAATGACTG-3'
Protein context (NP_000483.3, residues 1182-1202): YKNGQLSKVM[Ile1192Phe]IENSHVKKDD